The following is an entry in ClinVar:

NM_001134673.4(NFIA):c.735T>C (p.Ser245=)

Gene: NFIA (nuclear factor I A; plus strand). Cytogenetic location: 1p31.3.
Variant type: single nucleotide variant.
Coding change: c.735T>C on transcript NM_001134673.4 (MANE Select); coding-DNA position 735, T replaced by C.
Protein change: p.Ser245=; no amino-acid change (serine 245 retained).
Molecular consequence: synonymous variant.
Genome position (GRCh38, 1-based): chr1:61,352,484, T>C. VCF-style: chr1-61352484-T-C. GRCh37 (hg19) VCF-style: chr1-61818156-T-C.
Other names: c.735T>C (NM_005595.4); c.711T>C, p.Ser237= (NM_001145511.2); c.870T>C, p.Ser290= (NM_001145512.2); c.735T>C, p.Ser245= (NM_005595.5).
Identifiers: ClinVar variation 2973099 (VCV002973099.4), dbSNP rs771245694, ClinGen allele CA881035.

ClinVar aggregate classification (germline): Likely benign. Review status: criteria provided, multiple submitters, no conflicts (2 of 4 stars). 2 submissions from 2 submitters: Likely benign (2). Last evaluated 2025-07-23.

Conditions:
NFIA-Related Disorder. Also called: NFIA-related disorders; NFIA-related condition. Identifiers: MedGen CN381099.

Allele frequency attached by ClinVar (database versions not stated): ExAC 0.00002; TOPMed 0.00005; gnomAD 0.00008; gnomAD exomes 0.00016.
gnomAD v4.1: 245 of 1,613,884 alleles (0.015%); highest among the groups gnomAD compares: Non-Finnish European, 0.02%; no homozygotes.

Submissions (2):

Labcorp Genetics (formerly Invitae), Labcorp
Classification: Likely benign. Last evaluated: 2025-07-23. Review status: criteria provided, single submitter. Criteria: Invitae Variant Classification Sherloc (09022015). Collection method: clinical testing. Allele origin: germline.

PreventionGenetics, part of Exact Sciences
Classification: Likely benign for NFIA-related condition. Last evaluated: 2025-04-08. Review status: criteria provided, single submitter. Criteria: ACMG Guidelines, 2015. Collection method: clinical testing. Allele origin: germline.
Comment: This variant is classified as likely benign based on ACMG/AMP sequence variant interpretation guidelines (Richards et al. 2015 PMID: 25741868, with internal and published modifications).